The following is an entry in ClinVar:

NM_004329.3(BMPR1A):c.528C>A (p.Tyr176Ter)

Gene: BMPR1A (bone morphogenetic protein receptor type 1A; plus strand). Cytogenetic location: 10q23.2.
Variant type: single nucleotide variant.
Coding change: c.528C>A on transcript NM_004329.3 (MANE Select); coding-DNA position 528, C replaced by A.
Protein change: p.Tyr176Ter; replaces tyrosine 176 with a stop codon.
Molecular consequence: nonsense. On other transcripts: non-coding transcript variant (3), intron variant (1).
Genome position (GRCh38, 1-based): chr10:86,900,124, C>A. VCF-style: chr10-86900124-C-A. GRCh37 (hg19) VCF-style: chr10-88659881-C-A.
Other names: c.333+7895C>A (NM_001406589.1); c.528C>A, p.Tyr176Ter (NM_001406579.1, NM_001406580.1, NM_001406581.1 and 22 more transcripts); c.444C>A, p.Tyr148Ter (NM_001406584.1, NM_001406585.1, NM_001406586.1 and 2 more transcripts); short protein forms Y148*, Y176*.
Identifiers: ClinVar variation 2584111 (VCV002584111.4), dbSNP rs770387084, ClinGen allele CA5585537.
Genomic context (GRCh38, chr10:86,900,124, plus strand): 5'-GCTCATTTCTATGGCTGTCTGCATAATTGCTATGATCATCTTCTCCAGCTGCTTTTGTTA[C>A]AAGTAAGAAGATATTTATTTTGAAGCAAAATATTTTGTCAAATATTAGATGTCAACCGCT-3'

ClinVar aggregate classification (germline): Pathogenic/Likely pathogenic. Review status: criteria provided, multiple submitters, no conflicts (2 of 4 stars). 3 submissions from 3 submitters: Pathogenic (2); Likely pathogenic (1). Last evaluated 2024-06-06.

Conditions:
Polyposis syndrome, hereditary mixed, 2. Identifiers: Orphanet 157794, MedGen C1864730, MONDO:0012405, OMIM 610069.
Juvenile polyposis syndrome (JPS). Identifiers: Orphanet 2929, MedGen C0345893, MONDO:0017380, OMIM 174900.
Hereditary cancer-predisposing syndrome. Also called: Neoplastic Syndromes, Hereditary; Hereditary Cancer Syndrome; Tumor predisposition; Hereditary neoplastic syndrome. Identifiers: Orphanet 140162, MedGen C0027672, MeSH D009386, MONDO:0015356.

Allele frequency attached by ClinVar (database versions not stated): gnomAD exomes below 0.00001; ExAC 0.00001; gnomAD 0.00001.
gnomAD v4.1: 2 of 1,613,084 alleles (0.00012%); highest among the groups gnomAD compares: Non-Finnish European, 0.000085%; no homozygotes.

Submissions (3):

Ambry Genetics
Classification: Pathogenic for Hereditary cancer-predisposing syndrome. Last evaluated: 2024-06-06. Review status: criteria provided, single submitter. Criteria: Ambry Variant Classification Scheme 2023. Collection method: clinical testing. Allele origin: germline.
Comment: The p.Y176* pathogenic mutation (also known as c.528C>A), located in coding exon 5 of the BMPR1A gene, results from a C to A substitution at nucleotide position 528. This changes the amino acid from a tyrosine to a stop codon within coding exon 5. This variant was reported in an individual with features consistent with juvenile polyposis syndrome (Ngeow J et al. Gastroenterology, 2013 Jun;144:1402-9, 1409.e1-5). In addition to the clinical data presented in the literature, this alteration is expected to result in loss of function by premature protein truncation or nonsense-mediated mRNA decay. As such, this alteration is interpreted as a disease-causing mutation.

Fulgent Genetics
Classification: Likely pathogenic for Juvenile polyposis syndrome; Polyposis syndrome, hereditary mixed, 2. Last evaluated: 2024-05-21. Review status: criteria provided, single submitter. Criteria: ACMG Guidelines, 2015. Collection method: clinical testing. Allele origin: germline.

Myriad Genetics, Inc.
Classification: Pathogenic for Juvenile polyposis syndrome. Last evaluated: 2023-05-26. Review status: criteria provided, single submitter. Criteria: Myriad Autosomal Dominant, Autosomal Recessive and X-Linked Classification Criteria (2023). Collection method: clinical testing. Allele origin: unknown.
Comment: This variant is considered pathogenic. This variant creates a termination codon and is predicted to result in premature protein truncation.

Literature cited by the submitters: PubMed 23399955 (cited by Ambry Genetics).